The following is an entry in ClinVar:

NM_001171.6(ABCC6):c.2387T>C (p.Ile796Thr)

Gene: ABCC6 (ATP binding cassette subfamily C member 6; minus strand). Cytogenetic location: 16p13.11.
Variant type: single nucleotide variant.
Coding change: c.2387T>C on transcript NM_001171.6 (MANE Select); coding-DNA position 2387, T replaced by C.
Protein change: p.Ile796Thr; replaces isoleucine 796 with threonine.
Molecular consequence: missense variant. On other transcripts: non-coding transcript variant (1).
Genome position (GRCh38, 1-based): chr16:16,178,826, A>G on the plus strand (T>C on the coding strand, the complement: ABCC6 is on the minus strand). VCF-style: chr16-16178826-A-G. GRCh37 (hg19) VCF-style: chr16-16272683-A-G.
Other names: c.2045T>C, p.Ile682Thr (NM_001351800.1); short protein forms I796T, I682T.
Identifiers: ClinVar variation 433517 (VCV000433517.11), dbSNP rs776463091, ClinGen allele CA7925946.
Genomic context (GRCh38, chr16:16,178,826, plus strand): 5'-CTGTACTGTCTGACACATGTTCCCAAACTTACTGTTCCCTGGAGTAGTCCACCAGGCCCA[A>G]TGACCTGGTTGAAGACATGCTGGCCAACGTGGGCATCCAGGGCCGCCAGGGGGTCATCCA-3'
Protein context (NP_001162.5, residues 786-806): HVGQHVFNQV[Ile796Thr]GPGGLLQGTT

ClinVar aggregate classification (germline): Uncertain significance. Review status: criteria provided, multiple submitters, no conflicts (2 of 4 stars). 4 submissions from 4 submitters: Uncertain significance (3). 1 of the submissions does not count toward it. Last evaluated 2025-11-21.

Conditions:
ABCC6-related disorder. Also called: ABCC6-related condition.
Autosomal recessive inherited pseudoxanthoma elasticum (PXE). Identifiers: Orphanet 758, MedGen CN032334, MONDO:0009925, OMIM 264800.

Allele frequency attached by ClinVar (database versions not stated): gnomAD exomes 0.00001 and 0.00002; TOPMed 0.00001; ExAC 0.00002.
gnomAD v4.1: 10 of 1,613,878 alleles (0.00062%); highest among the groups gnomAD compares: Admixed American, 0.0033%; no homozygotes.

Submissions (4):

PreventionGenetics, part of Exact Sciences
Classification: Uncertain significance for ABCC6-related condition. Last evaluated: 2025-11-21. Review status: criteria provided, single submitter. Criteria: ACMG Guidelines, 2015. Collection method: clinical testing. Allele origin: germline.
Comment: The ABCC6 c.2387T>C variant is predicted to result in the amino acid substitution p.Ile796Thr. This variant has been reported in individuals with pseudoxanthoma elasticum (Supplemental table 2, Legrand et al. 2017. PubMed ID: 28102862; Verschuere et al. 2020. PubMed ID: 32873932). However, no additional studies were performed to help its pathogenicity. This variant is reported in 0.0065% of alleles in individuals of South Asian descent in gnomAD. At this time, the clinical significance of this variant is uncertain due to the absence of conclusive functional and genetic evidence.

Labcorp Genetics (formerly Invitae), Labcorp
Classification: Uncertain significance. Last evaluated: 2025-01-06. Review status: criteria provided, single submitter. Criteria: Invitae Variant Classification Sherloc (09022015). Collection method: clinical testing. Allele origin: germline.
Comment: This sequence change replaces isoleucine, which is neutral and non-polar, with threonine, which is neutral and polar, at codon 796 of the ABCC6 protein (p.Ile796Thr). This variant is present in population databases (rs776463091, gnomAD 0.007%). This missense change has been observed in individual(s) with clinical features of ABCC6-related conditions (PMID: 28102862). ClinVar contains an entry for this variant (Variation ID: 433517). Invitae Evidence Modeling of protein sequence and biophysical properties (such as structural, functional, and spatial information, amino acid conservation, physicochemical variation, residue mobility, and thermodynamic stability) indicates that this missense variant is expected to disrupt ABCC6 protein function with a positive predictive value of 95%. In summary, the available evidence is currently insufficient to determine the role of this variant in disease. Therefore, it has been classified as a Variant of Uncertain Significance.

Blueprint Genetics
Classification: Uncertain significance. Last evaluated: 2023-12-01. Review status: criteria provided, single submitter. Criteria: ACMG Guidelines, 2015. Collection method: clinical testing. Allele origin: germline.

PXE International
Classification: Uncertain significance for Autosomal recessive inherited pseudoxanthoma elasticum. Last evaluated: 2021-02-02. Review status: no assertion criteria provided. Collection method: research. Allele origin: germline. Inheritance: Autosomal recessive inheritance. Affected: yes. Observed: 1 variant allele. Not counted in ClinVar's aggregate classification.

Literature cited by the submitters: PubMed 28102862 (cited by Labcorp Genetics (formerly Invitae), Labcorp); PubMed 32873932 (cited by PXE International).